The following is an entry in ClinVar:

NM_016589.4(TIMMDC1):c.708-10C>T

Gene: TIMMDC1 (translocase of inner mitochondrial membrane domain containing 1; plus strand). Cytogenetic location: 3q13.33.
Variant type: single nucleotide variant.
Coding change: c.708-10C>T on transcript NM_016589.4 (MANE Select); 10 bases into the intron before coding-DNA position 708, C replaced by T.
Molecular consequence: intron variant.
Genome position (GRCh38, 1-based): chr3:119,523,596, C>T. VCF-style: chr3-119523596-C-T. GRCh37 (hg19) VCF-style: chr3-119242443-C-T.
Other names: c.708-10C>T (NM_016589.3).
Identifiers: ClinVar variation 1601579 (VCV001601579.11), dbSNP rs58978800, ClinGen allele CA2555361.
Genomic context (GRCh38, chr3:119,523,596, plus strand): 5'-TTTTGTTTTAAATCTGTAAGAACTAAAGAAATGGAGCAGTATTTGATTTATCCTTTTTAT[C>T]TGATTACAGGAAAGGCAGACTACAAGTTACTGAGCACCTCCCTGAGAAAATTGAAAGTAG-3'

ClinVar aggregate classification (germline): Benign. Review status: criteria provided, multiple submitters, no conflicts (2 of 4 stars). 3 submissions from 3 submitters: Benign (2). 1 of the submissions does not count toward it. Last evaluated 2026-02-01.

Conditions:
TIMMDC1-related disorder. Also called: TIMMDC1-related condition.

Allele frequency attached by ClinVar (database versions not stated): gnomAD exomes 0.06546; ExAC 0.07617; TOPMed 0.16683; ESP Exome Variant Server 0.16931; 1000 Genomes Project 0.18630; 1000 Genomes Project 30x 0.19441.
gnomAD v4.1: 78,208 of 1,579,524 alleles (5%); highest among the groups gnomAD compares: African/African-American, 47%; 9,287 homozygotes.

Submissions (3):

Labcorp Genetics (formerly Invitae), Labcorp
Classification: Benign. Last evaluated: 2026-02-01. Review status: criteria provided, single submitter. Criteria: Invitae Variant Classification Sherloc (09022015). Collection method: clinical testing. Allele origin: germline.

Breakthrough Genomics
Classification: Benign. Review status: criteria provided, single submitter. Criteria: ACMG Guidelines, 2015. Collection method: not provided. Allele origin: germline. Inheritance: Autosomal recessive inheritance. Affected: yes.

PreventionGenetics, part of Exact Sciences
Classification: Benign for TIMMDC1-related condition. Last evaluated: 2019-11-06. Review status: no assertion criteria provided. Collection method: clinical testing. Allele origin: germline. Not counted in ClinVar's aggregate classification.
Comment: This variant is classified as benign based on ACMG/AMP sequence variant interpretation guidelines (Richards et al. 2015 PMID: 25741868, with internal and published modifications).